The following is an entry in ClinVar:

NM_002293.4(LAMC1):c.2538G>A (p.Thr846=)

Gene: LAMC1 (laminin subunit gamma 1; plus strand). Cytogenetic location: 1q25.3.
Variant type: single nucleotide variant.
Coding change: c.2538G>A on transcript NM_002293.4 (MANE Select); coding-DNA position 2538, G replaced by A.
Protein change: p.Thr846=; no amino-acid change (threonine 846 retained).
Molecular consequence: synonymous variant.
Genome position (GRCh38, 1-based): chr1:183,124,767, G>A. VCF-style: chr1-183124767-G-A. GRCh37 (hg19) VCF-style: chr1-183093902-G-A.
Identifiers: ClinVar variation 3358073 (VCV003358073.1).

ClinVar aggregate classification (germline): Likely benign (0 of 4 stars; one submission).

Conditions:
LAMC1-related disorder. Also called: LAMC1-related condition.

gnomAD v4.1: 51 of 1,614,038 alleles (0.0032%); highest among the groups gnomAD compares: Non-Finnish European, 0.0037%; no homozygotes.

Submission:

PreventionGenetics, part of Exact Sciences
Classification: Likely benign for LAMC1-related condition. Last evaluated: 2024-08-16. Review status: no assertion criteria provided. Collection method: clinical testing. Allele origin: germline.
Comment: This variant is classified as likely benign based on ACMG/AMP sequence variant interpretation guidelines (Richards et al. 2015 PMID: 25741868, with internal and published modifications).